The following is an entry in ClinVar:

ClinVar aggregate classification (germline): Conflicting classifications of pathogenicity. Review status: criteria provided, conflicting classifications (1 of 4 stars). 3 submissions from 3 submitters: Likely pathogenic (1); Uncertain significance (1). 1 of the submissions does not count toward it. Last evaluated 2025-09-01.

Conditions:
Retinal dystrophy. Also called: Inherited retinal dystrophy. Identifiers: Orphanet 71862, MedGen C0854723, MeSH D058499, MONDO:0019118, HP:0000556.
Autosomal recessive bestrophinopathy. Also called: Autosomal Recessive Bestrophinopathy (ARB). Identifiers: Orphanet 139455, MedGen C3888198, MONDO:0012733, OMIM 611809.

Submissions (3):

CeGaT Center for Human Genetics Tuebingen
Classification: Uncertain significance. Last evaluated: 2025-09-01. Review status: criteria provided, single submitter. Criteria: CeGaT Center For Human Genetics Tuebingen Variant Classification Criteria Version 2. Collection method: clinical testing. Allele origin: germline. Affected: yes. Observed: 1 variant allele.
Comment: BEST1: PM2, PM3

Institute of Human Genetics, Univ. Regensburg, Univ. Regensburg
Classification: Likely pathogenic for Retinal dystrophy. Last evaluated: 2022-01-01. Review status: criteria provided, single submitter. Criteria: ACMG Guidelines, 2015. Collection method: clinical testing. Allele origin: germline. Affected: yes.

Bioscientia Institut fuer Medizinische Diagnostik GmbH, Sonic Healthcare
Classification: Pathogenic for Autosomal recessive bestrophinopathy. Last evaluated: 2017-11-06. Review status: no assertion criteria provided. Collection method: clinical testing. Allele origin: germline. Affected: yes. Not counted in ClinVar's aggregate classification.

Literature cited by the submitters: PubMed 29555955 (cited by Institute of Human Genetics, Univ. Regensburg, Univ. Regensburg); PubMed 3401268 (cited by Institute of Human Genetics, Univ. Regensburg, Univ. Regensburg).

NM_004183.4(BEST1):c.956T>C (p.Leu319Pro)

Gene: BEST1 (bestrophin 1; plus strand). Cytogenetic location: 11q12.3.
Variant type: single nucleotide variant.
Coding change: c.956T>C on transcript NM_004183.4 (MANE Select); coding-DNA position 956, T replaced by C.
Protein change: p.Leu319Pro; replaces leucine 319 with proline.
Molecular consequence: missense variant. On other transcripts: non-coding transcript variant (1).
Genome position (GRCh38, 1-based): chr11:61,959,899, T>C. VCF-style: chr11-61959899-T-C. GRCh37 (hg19) VCF-style: chr11-61727371-T-C.
Other names: c.776T>C, p.Leu259Pro (NM_001139443.3, NM_001300787.2); c.695T>C, p.Leu232Pro (NM_001300786.2); c.638T>C, p.Leu213Pro (NM_001363591.3); c.1159T>C, p.Cys387Arg (NM_001363592.2); c.-17T>C (NM_001363593.3); short protein forms L319P, C387R, L213P, L232P, L259P.
Identifiers: ClinVar variation 522530 (VCV000522530.10), dbSNP rs1554963305, ClinGen allele CA380846047.